The following is an entry in ClinVar:

ClinVar aggregate classification (germline): Uncertain significance (1 of 4 stars; one submission).

Allele frequency attached by ClinVar (database versions not stated): TOPMed 0.00001; gnomAD 0.00002; gnomAD exomes 0.00003.
gnomAD v4.1: 33 of 1,194,244 alleles (0.0028%); highest among the groups gnomAD compares: Non-Finnish European, 0.0036%; no homozygotes.

Submission:

Labcorp Genetics (formerly Invitae), Labcorp
Classification: Uncertain significance. Last evaluated: 2023-11-18. Review status: criteria provided, single submitter. Criteria: Invitae Variant Classification Sherloc (09022015). Collection method: clinical testing. Allele origin: germline.
Comment: This sequence change replaces proline, which is neutral and non-polar, with leucine, which is neutral and non-polar, at codon 3 of the POLA1 protein (p.Pro3Leu). The frequency data for this variant in the population databases is considered unreliable, as metrics indicate poor data quality at this position in the gnomAD database. This variant has not been reported in the literature in individuals affected with POLA1-related conditions. ClinVar contains an entry for this variant (Variation ID: 1941822). Algorithms developed to predict the effect of missense changes on protein structure and function output the following: SIFT: "Not Available"; PolyPhen-2: "Benign"; Align-GVGD: "Not Available". The leucine amino acid residue is found in multiple mammalian species, which suggests that this missense change does not adversely affect protein function. In summary, the available evidence is currently insufficient to determine the role of this variant in disease. Therefore, it has been classified as a Variant of Uncertain Significance.

NM_001330360.2(POLA1):c.8C>T (p.Pro3Leu)

Gene: POLA1 (DNA polymerase alpha 1, catalytic subunit; plus strand). Cytogenetic location: Xp22.11.
Variant type: single nucleotide variant.
Coding change: c.8C>T on transcript NM_001330360.2 (MANE Select); coding-DNA position 8, C replaced by T.
Protein change: p.Pro3Leu; replaces proline 3 with leucine.
Molecular consequence: missense variant. On other transcripts: non-coding transcript variant (2).
Genome position (GRCh38, 1-based): chrX:24,693,969, C>T. VCF-style: chrX-24693969-C-T. GRCh37 (hg19) VCF-style: chrX-24712086-C-T.
Other names: c.8C>T, p.Pro3Leu (NM_001378303.1, NM_016937.4); short protein forms P3L.
Identifiers: ClinVar variation 1941822 (VCV001941822.5), dbSNP rs772498262, ClinGen allele CA10372685.